The following is an entry in ClinVar:

ClinVar aggregate classification (germline): Uncertain significance. Review status: criteria provided, multiple submitters, no conflicts (2 of 4 stars). 2 submissions from 2 submitters: Uncertain significance (2). Last evaluated 2024-07-04.

Allele frequency attached by ClinVar (database versions not stated): gnomAD 0.00001; TOPMed 0.00001.
gnomAD v4.1: 7 of 1,613,356 alleles (0.00043%); highest among the groups gnomAD compares: East Asian, 0.0045%; no homozygotes.

Submissions (2):

Labcorp Genetics (formerly Invitae), Labcorp
Classification: Uncertain significance. Last evaluated: 2024-07-04. Review status: criteria provided, single submitter. Criteria: Invitae Variant Classification Sherloc (09022015). Collection method: clinical testing. Allele origin: germline.
Comment: This sequence change replaces isoleucine, which is neutral and non-polar, with valine, which is neutral and non-polar, at codon 15 of the PRPF3 protein (p.Ile15Val). This variant is present in population databases (no rsID available, gnomAD 0.06%). This variant has not been reported in the literature in individuals affected with PRPF3-related conditions. ClinVar contains an entry for this variant (Variation ID: 2060845). Algorithms developed to predict the effect of missense changes on protein structure and function output the following: SIFT: "Not Available"; PolyPhen-2: "Benign"; Align-GVGD: "Not Available". The valine amino acid residue is found in multiple mammalian species, which suggests that this missense change does not adversely affect protein function. In summary, the available evidence is currently insufficient to determine the role of this variant in disease. Therefore, it has been classified as a Variant of Uncertain Significance.

Blueprint Genetics
Classification: Uncertain significance. Last evaluated: 2023-10-05. Review status: criteria provided, single submitter. Criteria: ACMG Guidelines, 2015. Collection method: clinical testing. Allele origin: germline.

NM_004698.4(PRPF3):c.43A>G (p.Ile15Val)

Gene: PRPF3 (pre-mRNA processing factor 3; plus strand). Cytogenetic location: 1q21.2.
Variant type: single nucleotide variant.
Coding change: c.43A>G on transcript NM_004698.4 (MANE Select); coding-DNA position 43, A replaced by G.
Protein change: p.Ile15Val; replaces isoleucine 15 with valine.
Molecular consequence: missense variant. On other transcripts: 5 prime UTR variant (1), non-coding transcript variant (4).
Genome position (GRCh38, 1-based): chr1:150,324,985, A>G. VCF-style: chr1-150324985-A-G. GRCh37 (hg19) VCF-style: chr1-150297443-A-G.
Other names: c.-459A>G (NM_001350529.1); short protein forms I15V.
Identifiers: ClinVar variation 2060845 (VCV002060845.5), dbSNP rs1395340408, ClinGen allele CA342284820.
Genomic context (GRCh38, chr1:150,324,985, plus strand): 5'-TTCTCTTTTTCCTGAAAAATGGCACTGTCAAAGAGGGAGCTGGATGAGCTGAAACCATGG[A>G]TAGAGAAGACAGTGAAGAGGGTCCTGGGTTTCTCAGAGCCTACGGTGGTCACAGCAGCAT-3'
Protein context (NP_004689.1, residues 5-25): KRELDELKPW[Ile15Val]EKTVKRVLGF